The following is an entry in ClinVar:

ClinVar aggregate classification (germline): Conflicting classifications of pathogenicity. Review status: criteria provided, conflicting classifications (1 of 4 stars). 4 submissions from 4 submitters: Uncertain significance (1); Likely benign (3). Last evaluated 2025-03-17.

Conditions:
D-2-hydroxyglutaric aciduria 1 (D2HGA1). Identifiers: Orphanet 79315, MedGen C3152055, MONDO:0024554, OMIM 600721.

Allele frequency attached by ClinVar (database versions not stated): gnomAD exomes 0.00002; TOPMed 0.00002; ExAC 0.00003; gnomAD 0.00003; ESP Exome Variant Server 0.00008.
gnomAD v4.1: 53 of 1,613,900 alleles (0.0033%); highest among the groups gnomAD compares: Non-Finnish European, 0.0041%; no homozygotes.

Submissions (4):

Mayo Clinic Laboratories, Mayo Clinic
Classification: Likely benign. Last evaluated: 2025-03-17. Review status: criteria provided, single submitter. Criteria: ACMG Guidelines, 2015. Collection method: clinical testing. Allele origin: germline. Observed: 2 variant alleles.
Comment: BP4, BP7

Labcorp Genetics (formerly Invitae), Labcorp
Classification: Likely benign for D-2-hydroxyglutaric aciduria 1. Last evaluated: 2024-01-26. Review status: criteria provided, single submitter. Criteria: Invitae Variant Classification Sherloc (09022015). Collection method: clinical testing. Allele origin: germline.

Blueprint Genetics
Classification: Likely benign. Last evaluated: 2023-09-07. Review status: criteria provided, single submitter. Criteria: ACMG Guidelines, 2015. Collection method: clinical testing. Allele origin: germline.

Illumina Laboratory Services, Illumina
Classification: Uncertain significance for D-2-hydroxyglutaric aciduria 1. Last evaluated: 2018-01-13. Review status: criteria provided, single submitter. Criteria: ICSL Variant Classification Criteria 13 December 2019. Collection method: clinical testing. Allele origin: germline.

NM_152783.5(D2HGDH):c.324G>A (p.Thr108=)

Gene: D2HGDH (D-2-hydroxyglutarate dehydrogenase; plus strand). Cytogenetic location: 2q37.3.
Variant type: single nucleotide variant.
Coding change: c.324G>A on transcript NM_152783.5 (MANE Select); coding-DNA position 324, G replaced by A.
Protein change: p.Thr108=; no amino-acid change (threonine 108 retained).
Molecular consequence: synonymous variant. On other transcripts: 5 prime UTR variant (2), non-coding transcript variant (1).
Genome position (GRCh38, 1-based): chr2:241,741,064, G>A. VCF-style: chr2-241741064-G-A. GRCh37 (hg19) VCF-style: chr2-242680479-G-A.
Other names: p.Thr108=; c.-79G>A (NM_001287249.2); c.-221G>A (NM_001352824.2).
Identifiers: ClinVar variation 897185 (VCV000897185.10), dbSNP rs371102955, ClinGen allele CA2221594.